The following is an entry in ClinVar:

NM_024312.5(GNPTAB):c.2864C>T (p.Ala955Val)

Gene: GNPTAB (N-acetylglucosamine-1-phosphate transferase subunits alpha and beta; minus strand). Cytogenetic location: 12q23.2.
Variant type: single nucleotide variant.
Coding change: c.2864C>T on transcript NM_024312.5 (MANE Select); coding-DNA position 2864, C replaced by T.
Protein change: p.Ala955Val; replaces alanine 955 with valine.
Molecular consequence: missense variant.
Genome position (GRCh38, 1-based): chr12:101,761,615, G>A on the plus strand (C>T on the coding strand, the complement: GNPTAB is on the minus strand). VCF-style: chr12-101761615-G-A. GRCh37 (hg19) VCF-style: chr12-102155393-G-A.
Other names: short protein forms A955V.
Identifiers: ClinVar variation 50891 (VCV000050891.6), dbSNP rs138390866, ClinGen allele CA356543.
Genomic context (GRCh38, chr12:101,761,615, plus strand): 5'-AAGACTTACATATCTTGCAGTTCTTGCATAACAATCCGGTCAATCATGTGAGGCATGTGA[G>A]CAGGGACTTTCCGCGATGTGAATCCAAACTTGCTATTTAGAATTTTATTTACATATCTGA-3'
Protein context (NP_077288.2, residues 945-965): KFGFTSRKVP[Ala955Val]HMPHMIDRIV

ClinVar aggregate classification (germline): Uncertain significance (1 of 4 stars; one submission).

Conditions:
Mucolipidosis type II. Also called: Mucolipidosis 2; ML 2; Inclusion cell disease; Leroy Disease; N-acetylglucosamine 1phosphotransferase deficiency; ML disorder type 2. Identifiers: Orphanet 576, MedGen C2673377, MONDO:0009650, OMIM 252500.
Pseudo-Hurler polydystrophy. Also called: Type III Mucolipidosis; ML IIIA; Mucolipidosis III Alpha/Beta; MUCOLIPIDOSIS IIIA; ML III; ML III ALPHA/BETA. Identifiers: Orphanet 423461, Orphanet 577, MedGen C0033788, MONDO:0018931, OMIM 252600.

Allele frequency attached by ClinVar (database versions not stated): gnomAD exomes below 0.00001 and 0.00002; TOPMed 0.00002; ESP Exome Variant Server 0.00015.
gnomAD v4.1: 23 of 1,614,146 alleles (0.0014%); highest among the groups gnomAD compares: Non-Finnish European, 0.0019%; no homozygotes.

Submission:

Labcorp Genetics (formerly Invitae), Labcorp
Classification: Uncertain significance for Pseudo-Hurler polydystrophy; Mucolipidosis type II. Last evaluated: 2021-08-31. Review status: criteria provided, single submitter. Criteria: Invitae Variant Classification Sherloc (09022015). Collection method: clinical testing. Allele origin: germline.
Comment: This sequence change replaces alanine with valine at codon 955 of the GNPTAB protein (p.Ala955Val). The alanine residue is highly conserved and there is a small physicochemical difference between alanine and valine. This variant is not present in population databases (ExAC no frequency). This missense change has been observed in individual(s) with mucolipidosis type II (PMID: 19938078). Algorithms developed to predict the effect of missense changes on protein structure and function (SIFT, PolyPhen-2, Align-GVGD) all suggest that this variant is likely to be disruptive. Experimental studies have shown that this missense change affects GNPTAB function (PMID: 25505245). In summary, the available evidence is currently insufficient to determine the role of this variant in disease. Therefore, it has been classified as a Variant of Uncertain Significance.

Literature cited by the submitters: PubMed 19938078; PubMed 25505245.